The following is an entry in ClinVar:

NM_000051.4(ATM):c.8418+3G>T

Genes: C11orf65 (chromosome 11 open reading frame 65; minus strand), ATM (ATM serine/threonine kinase; plus strand). Cytogenetic location: 11q22.3.
Variant type: single nucleotide variant.
Coding change: c.8418+3G>T on transcript NM_000051.4 (MANE Select); 3 bases into the intron after coding-DNA position 8418, G replaced by T.
Molecular consequence: intron variant.
Genome position (GRCh38, 1-based): chr11:108,343,374, G>T. VCF-style: chr11-108343374-G-T. GRCh37 (hg19) VCF-style: chr11-108214101-G-T.
Other names: c.8418+3G>T (NM_001351834.2); c.641-34303C>A (NM_001330368.2); c.695-8082C>A (NM_001351110.2).
Identifiers: ClinVar variation 922233 (VCV000922233.5), dbSNP rs2087845145, ClinGen allele CA1139662198.

ClinVar aggregate classification (germline): Uncertain significance (1 of 4 stars; one submission).

Conditions:
Hereditary cancer-predisposing syndrome. Also called: Tumor predisposition; Neoplastic Syndromes, Hereditary; Hereditary neoplastic syndrome; Hereditary Cancer Syndrome. Identifiers: Orphanet 140162, MedGen C0027672, MeSH D009386, MONDO:0015356.

Submission:

Color Diagnostics, LLC DBA Color Health
Classification: Uncertain significance for Hereditary cancer-predisposing syndrome. Last evaluated: 2019-07-09. Review status: criteria provided, single submitter. Criteria: ACMG Guidelines, 2015. Collection method: clinical testing. Allele origin: germline.
Comment: This variant causes a G>T nucleotide substitution at the +3 position of intron 57 of the ATM gene. Splice site prediction tools are inconclusive regarding the impact of this variant on RNA splicing. To our knowledge, functional studies have not been performed for this variant. This variant has not been reported in individuals affected with hereditary cancer in the literature. This variant has not been identified in the general population by the Genome Aggregation Database (gnomAD). The available evidence is insufficient to determine the role of this variant in disease conclusively. Therefore, this variant is classified as a Variant of Uncertain Significance.